The following is an entry in ClinVar:

NM_004628.5(XPC):c.2034-1503G>A

Gene: XPC (XPC complex subunit, DNA damage recognition and repair factor; minus strand). Cytogenetic location: 3p25.1.
Variant type: single nucleotide variant.
Coding change: c.2034-1503G>A on transcript NM_004628.5 (MANE Select); 1503 bases into the intron before coding-DNA position 2034, G replaced by A.
Molecular consequence: intron variant. On other transcripts: missense variant (1).
Genome position (GRCh38, 1-based): chr3:14,153,919, C>T on the plus strand (G>A on the coding strand, the complement: XPC is on the minus strand). VCF-style: chr3-14153919-C-T. GRCh37 (hg19) VCF-style: chr3-14195419-C-T.
Other names: c.1987G>A, p.Ala663Thr (NM_001354727.2); c.2016-1503G>A (NM_001354729.2); c.1455-1503G>A (NM_001354726.2); c.1788-1503G>A (NM_001354730.2); short protein forms A663T.
Identifiers: ClinVar variation 4856923 (VCV004856923.2).

ClinVar aggregate classification (germline): Likely benign (1 of 4 stars; one submission).

Submission:

Dasa
Classification: Likely benign. Last evaluated: 2026-03-25. Review status: criteria provided, single submitter. Criteria: DASA Assertion Criteria. Collection method: clinical testing. Allele origin: germline.
Comment: NM_001354727.2(XPC):c.1987G>A (p.Ala663Thr) is a missense variant that results in the substitution of alanine with threonine. Population frequency is inconsistent with a disease-causing role for this variant, and the variant context is inconsistent with a known disease-causing mechanism. Computational prediction algorithms are consistent with a benign effect. Therefore, based on the currently available evidence, this variant is classified as likely benign.